The following is an entry in ClinVar:

ClinVar aggregate classification (germline): Likely pathogenic (1 of 4 stars; one submission).

Submission:

Labcorp Genetics (formerly Invitae), Labcorp
Classification: Likely pathogenic. Last evaluated: 2022-07-29. Review status: criteria provided, single submitter. Criteria: Invitae Variant Classification Sherloc (09022015). Collection method: clinical testing. Allele origin: germline.
Comment: This sequence change affects a donor splice site in intron 7 of the CYP19A1 gene. It is expected to disrupt RNA splicing. Variants that disrupt the donor or acceptor splice site typically lead to a loss of protein function (PMID: 16199547), and loss-of-function variants in CYP19A1 are known to be pathogenic (PMID: 14602738, 27086564, 27256151). This variant is not present in population databases (gnomAD no frequency). This variant has not been reported in the literature in individuals affected with CYP19A1-related conditions. Algorithms developed to predict the effect of sequence changes on RNA splicing suggest that this variant may disrupt the consensus splice site. In summary, the currently available evidence indicates that the variant is pathogenic, but additional data are needed to prove that conclusively. Therefore, this variant has been classified as Likely Pathogenic.

Literature cited by the submitters: PubMed 16199547; PubMed 14602738; PubMed 27086564; PubMed 27256151.

NM_000103.4(CYP19A1):c.743+1G>C

Genes: CYP19A1 (cytochrome P450 family 19 subfamily A member 1; minus strand), MIR4713HG (MIR4713 host gene; plus strand), PIRC66 (piwi-interacting RNA cluster 66; plus strand). Cytogenetic location: 15q21.2.
Variant type: single nucleotide variant.
Coding change: c.743+1G>C on transcript NM_000103.4 (MANE Select); the canonical splice donor site of the intron after coding-DNA position 743, G replaced by C.
Molecular consequence: splice donor variant.
Genome position (GRCh38, 1-based): chr15:51,218,540, C>G on the plus strand (G>C on the coding strand, the complement: CYP19A1 is on the minus strand). VCF-style: chr15-51218540-C-G. GRCh37 (hg19) VCF-style: chr15-51510737-C-G.
Other names: c.743+1G>C (NM_031226.3, NM_001347248.1, NM_001347249.2 and 7 more transcripts).
Identifiers: ClinVar variation 2020340 (VCV002020340.4), dbSNP rs2542412522, ClinGen allele CA392425915.